The following is an entry in ClinVar:

NM_005219.5(DIAPH1):c.1919C>G (p.Ser640Cys)

Gene: DIAPH1 (diaphanous related formin 1; minus strand). Cytogenetic location: 5q31.3.
Variant type: single nucleotide variant.
Coding change: c.1919C>G on transcript NM_005219.5 (MANE Select); coding-DNA position 1919, C replaced by G.
Protein change: p.Ser640Cys; replaces serine 640 with cysteine.
Molecular consequence: missense variant.
Genome position (GRCh38, 1-based): chr5:141,573,931, G>C on the plus strand (C>G on the coding strand, the complement: DIAPH1 is on the minus strand). VCF-style: chr5-141573931-G-C. GRCh37 (hg19) VCF-style: chr5-140953498-G-C.
Other names: c.1892C>G, p.Ser631Cys (NM_001079812.3); c.1919C>G, p.Ser640Cys (NM_001314007.2); short protein forms S640C, S631C.
Identifiers: ClinVar variation 2940350 (VCV002940350.3), dbSNP rs1375206162, ClinGen allele CA361520042.

ClinVar aggregate classification (germline): Uncertain significance (1 of 4 stars; one submission).

Conditions:
Progressive microcephaly-seizures-cortical blindness-developmental delay syndrome. Also called: Seizures, cortical blindness, and microcephaly syndrome. Identifiers: Orphanet 477814, MedGen C5567650, MONDO:0014714, OMIM 616632.
Autosomal dominant nonsyndromic hearing loss 1. Also called: KONIGSMARK SYNDROME; DEAFNESS, AUTOSOMAL DOMINANT 1, WITH OR WITHOUT THROMBOCYTOPENIA. Identifiers: Orphanet 90635, MedGen C1852282, MONDO:0007424, OMIM 124900.

gnomAD v4.1: 2 of 1,552,174 alleles (0.00013%); highest among the groups gnomAD compares: Non-Finnish European, 0.000087%; no homozygotes.

Submission:

Labcorp Genetics (formerly Invitae), Labcorp
Classification: Uncertain significance for Progressive microcephaly-seizures-cortical blindness-developmental delay syndrome; Autosomal dominant nonsyndromic hearing loss 1. Last evaluated: 2024-01-08. Review status: criteria provided, single submitter. Criteria: Invitae Variant Classification Sherloc (09022015). Collection method: clinical testing. Allele origin: germline.
Comment: This sequence change replaces serine, which is neutral and polar, with cysteine, which is neutral and slightly polar, at codon 640 of the DIAPH1 protein (p.Ser640Cys). This variant is present in population databases (no rsID available, gnomAD 0.004%). This variant has not been reported in the literature in individuals affected with DIAPH1-related conditions. Experimental studies and prediction algorithms are not available or were not evaluated, and the functional significance of this variant is currently unknown. In summary, the available evidence is currently insufficient to determine the role of this variant in disease. Therefore, it has been classified as a Variant of Uncertain Significance.